The following is an entry in ClinVar:

ClinVar aggregate classification (germline): Uncertain significance. Review status: criteria provided, multiple submitters, no conflicts (2 of 4 stars). 2 submissions from 2 submitters: Uncertain significance (2). Last evaluated 2025-06-30.

Conditions:
Inborn genetic diseases. Identifiers: MedGen C0950123, MeSH D030342.
ATP8B1-related disorder. Also called: ATP8B1-related disorders; ATP8B1-related condition.

gnomAD v4.1: 186 of 1,603,184 alleles (0.012%); highest among the groups gnomAD compares: Non-Finnish European, 0.015%; no homozygotes.

Submissions (2):

Ambry Genetics
Classification: Uncertain significance for Inborn genetic diseases. Last evaluated: 2025-06-30. Review status: criteria provided, single submitter. Criteria: Ambry Variant Classification Scheme 2023. Collection method: clinical testing. Allele origin: germline.

PreventionGenetics, part of Exact Sciences
Classification: Uncertain significance for ATP8B1-related condition. Last evaluated: 2024-12-26. Review status: criteria provided, single submitter. Criteria: ACMG Guidelines, 2015. Collection method: clinical testing. Allele origin: germline.
Comment: The ATP8B1 c.3611C>G variant is predicted to result in the amino acid substitution p.Thr1204Arg. To our knowledge, this variant has not been reported in the literature. This variant is reported in 0.016% of alleles in individuals of European (Non-Finnish) descent in gnomAD. At this time, the clinical significance of this variant is uncertain due to the absence of conclusive functional and genetic evidence.

NM_001374385.1(ATP8B1):c.3611C>G (p.Thr1204Arg)

Genes: ATP8B1 (ATPase phospholipid transporting 8B1; minus strand), ATP8B1-AS1 (ATP8B1 antisense RNA 1; plus strand). Cytogenetic location: 18q21.31.
Variant type: single nucleotide variant.
Coding change: c.3611C>G on transcript NM_001374385.1 (MANE Select); coding-DNA position 3611, C replaced by G.
Protein change: p.Thr1204Arg; replaces threonine 1204 with arginine.
Molecular consequence: missense variant.
Genome position (GRCh38, 1-based): chr18:57,648,633, G>C on the plus strand (C>G on the coding strand, the complement: ATP8B1 is on the minus strand). VCF-style: chr18-57648633-G-C. GRCh37 (hg19) VCF-style: chr18-55315865-G-C.
Other names: c.3461C>G, p.Thr1154Arg (NM_001374386.1); c.3611C>G, p.Thr1204Arg (NM_005603.6); short protein forms T1204R, T1154R.
Identifiers: ClinVar variation 4179905 (VCV004179905.2).
Genomic context (GRCh38, chr18:57,648,633, plus strand): 5'-CCGGAGGAGATGAGGTCCGCGTAGCCCCGCTGGTGCGAGAAGGCGTAGGCCGAGCGCCGC[G>C]TTGACACGCCCCGGCGGAACACCTGCTGCCGTCGCTGCCACTGCTCCTCCGCCTTCAACC-3'
Protein context (NP_001361314.1, residues 1194-1214): RQQVFRRGVS[Thr1204Arg]RRSAYAFSHQ